The following is an entry in ClinVar:

ClinVar aggregate classification (germline): Uncertain significance (1 of 4 stars; one submission).

Conditions:
Autoimmune lymphoproliferative syndrome type 1. Also called: AUTOIMMUNE LYMPHOPROLIFERATIVE SYNDROME, TYPE I, AUTOSOMAL DOMINANT. Identifiers: Orphanet 3261, MedGen C2717884, MONDO:0011158, OMIM 601859.

Submission:

Labcorp Genetics (formerly Invitae), Labcorp
Classification: Uncertain significance for Autoimmune lymphoproliferative syndrome. Last evaluated: 2024-03-04. Review status: criteria provided, single submitter. Criteria: Invitae Variant Classification Sherloc (09022015). Collection method: clinical testing. Allele origin: germline.
Comment: This sequence change replaces serine, which is neutral and polar, with tyrosine, which is neutral and polar, at codon 98 of the FAS protein (p.Ser98Tyr). This variant is not present in population databases (gnomAD no frequency). This variant has not been reported in the literature in individuals affected with FAS-related conditions. Advanced modeling of protein sequence and biophysical properties (such as structural, functional, and spatial information, amino acid conservation, physicochemical variation, residue mobility, and thermodynamic stability) has been performed at Invitae for this missense variant, however the output from this modeling did not meet the statistical confidence thresholds required to predict the impact of this variant on FAS protein function. In summary, the available evidence is currently insufficient to determine the role of this variant in disease. Therefore, it has been classified as a Variant of Uncertain Significance.

NM_000043.6(FAS):c.293C>A (p.Ser98Tyr)

Gene: FAS (Fas cell surface death receptor; plus strand). Cytogenetic location: 10q23.31.
Variant type: single nucleotide variant.
Coding change: c.293C>A on transcript NM_000043.6 (MANE Select); coding-DNA position 293, C replaced by A.
Protein change: p.Ser98Tyr; replaces serine 98 with tyrosine.
Molecular consequence: missense variant. On other transcripts: non-coding transcript variant (4).
Genome position (GRCh38, 1-based): chr10:89,007,796, C>A. VCF-style: chr10-89007796-C-A. GRCh37 (hg19) VCF-style: chr10-90767553-C-A.
Other names: c.293C>A, p.Ser98Tyr (NM_001320619.2, NM_152871.4, NM_152872.4); c.338C>A, p.Ser113Tyr (NM_001410956.1); short protein forms S98Y, S113Y.
Identifiers: ClinVar variation 3644514 (VCV003644514.2).